The following is an entry in ClinVar:

ClinVar aggregate classification (germline): Benign. Review status: reviewed by expert panel (3 of 4 stars). 4 submissions from 4 submitters: Benign (1). 3 of the submissions do not count toward it. Last evaluated 2023-04-25.

Conditions:
Very long chain acyl-CoA dehydrogenase deficiency (ACADVLD). Also called: Very Long-Chain Acyl-Coenzyme A Dehydrogenase Deficiency; VLCAD Deficiency. Identifiers: Orphanet 26793, MedGen C3887523, MONDO:0008723, OMIM 201475.

Allele frequency attached by ClinVar (database versions not stated): gnomAD exomes 0.00195 and 0.00481; ExAC 0.00646; gnomAD 0.02035; 1000 Genomes Project 0.02157; 1000 Genomes Project 30x 0.02264; TOPMed 0.02298; ESP Exome Variant Server 0.02340.
gnomAD v4.1: 5,920 of 1,544,896 alleles (0.38%); highest among the groups gnomAD compares: African/African-American, 7.2%; 191 homozygotes.

Submissions (4):

ClinGen ACADVL Variant Curation Expert Panel, ClinGen
Classification: Benign for Very long chain acyl-CoA dehydrogenase deficiency. Last evaluated: 2023-04-25. Review status: reviewed by expert panel. Criteria: clingen acadvl acmg specifications v1. Collection method: curation. Allele origin: germline. Inheritance: Autosomal recessive inheritance.
Comment: The c.879-50G>T variant in ACADVL is an intronic variant in intron 9. The highest population minor allele frequency in gnomAD v2.1.1 is 0.06975 (6.975%) in the African/African American population, which is higher than the ClinGen ACADVL Variant Curation Expert Panel threshold (>=0.007) for BA1, and therefore meets this criterion (BA1). In summary, this variant meets the criteria to be classified as benign for autosomal recessive VLCAD deficiency based on the ACMG/AMP criteria applied, as specified by the ClinGen ACADVL Variant Curation Expert Panel: BA1 (ACADVL VCEP specifications version 1; approved November 8, 2021).

Wong Mito Lab, Molecular and Human Genetics, Baylor College of Medicine
Classification: Benign for Very long chain acyl-CoA dehydrogenase deficiency. Last evaluated: 2019-11-01. Review status: criteria provided, single submitter. Criteria: ACMG Guidelines, 2015. Collection method: clinical testing. Allele origin: germline. Not counted in ClinVar's aggregate classification.
Comment: The NM_000018.3:c.879-50G>T (NP_000009.1:p.?) [GRCH38: NC_000017.11:g.7222617G>T] variant in ACADVL gene is interpretated to be Benign based on ACMG guidelines (PMID: 25741868). This variant has been reported. This variant meets the following evidence codes reported in the ACMG guidelines: BS1, BS2

GeneDx
Classification: Benign. Last evaluated: 2015-03-03. Review status: criteria provided, single submitter. Criteria: GeneDx Variant Classification Process June 2021. Collection method: clinical testing. Allele origin: germline. Affected: yes. Not counted in ClinVar's aggregate classification.

Breakthrough Genomics
Classification: Benign. Review status: criteria provided, single submitter. Criteria: ACMG Guidelines, 2015. Collection method: not provided. Allele origin: germline. Inheritance: Autosomal recessive inheritance. Affected: yes. Not counted in ClinVar's aggregate classification.

NM_000018.4(ACADVL):c.879-50G>T

Gene: ACADVL (acyl-CoA dehydrogenase very long chain; plus strand). Cytogenetic location: 17p13.1.
Variant type: single nucleotide variant.
Coding change: c.879-50G>T on transcript NM_000018.4 (MANE Select); 50 bases into the intron before coding-DNA position 879, G replaced by T.
Molecular consequence: intron variant.
Genome position (GRCh38, 1-based): chr17:7,222,617, G>T. VCF-style: chr17-7222617-G-T. GRCh37 (hg19) VCF-style: chr17-7125936-G-T.
Other names: c.948-50G>T (NM_001270447.2); c.651-50G>T (NM_001270448.2); c.813-50G>T (NM_001033859.3).
Identifiers: ClinVar variation 932840 (VCV000932840.5), dbSNP rs11870841, ClinGen allele CA8337891.